The following is an entry in ClinVar:

NM_000059.4(BRCA2):c.5157_5161del (p.Asn1719fs)

Gene: BRCA2 (BRCA2 DNA repair associated; plus strand). Cytogenetic location: 13q13.1.
Variant type: Deletion.
Coding change: c.5157_5161del on transcript NM_000059.4 (MANE Select); coding-DNA positions 5157 to 5161, 5 bases deleted (TTCAA; older notation c.5157_5161delTTCAA).
Protein change: p.Asn1719fs; shifts the reading frame from asparagine 1719.
Molecular consequence: frameshift variant.
Genome position (GRCh38, 1-based): chr13:32,339,512-32,339,516, TTCAA deleted; deleting any 5 consecutive bases within chr13:32,339,510-32,339,516 gives the same sequence; the c. name uses the placement nearest the transcript's 3' end. VCF-style (leftmost placement, unchanged base first): chr13-32339509-TAATTC-T. GRCh37 (hg19) VCF-style: chr13-32913646-TAATTC-T.
Other names: 5385del5; c.5157_5161delTTCAA (NM_000059.3).
Identifiers: ClinVar variation 51780 (VCV000051780.12), dbSNP rs80359488, ClinGen allele CA021415.

ClinVar aggregate classification (germline): Pathogenic. Review status: reviewed by expert panel (3 of 4 stars). 8 submissions from 8 submitters: Pathogenic (1). 7 of the submissions do not count toward it. Last evaluated 2016-09-08.

Conditions:
Hereditary breast ovarian cancer syndrome. Also called: Hereditary breast and ovarian cancer syndrome; Hereditary breast and ovarian cancer; Hereditary breast and ovarian cancer syndrome (HBOC); Breast and ovarian cancer; Hereditary breast and/or ovarian cancer syndrome; BRCA1- and BRCA2-Associated Hereditary Breast and Ovarian Cancer. Identifiers: Orphanet 145, MedGen C0677776, MeSH D061325, MONDO:0003582. Disease mechanism: loss of function.
Hereditary cancer-predisposing syndrome. Also called: Neoplastic Syndromes, Hereditary; Tumor predisposition; Hereditary neoplastic syndrome; Hereditary Cancer Syndrome. Identifiers: Orphanet 140162, MedGen C0027672, MeSH D009386, MONDO:0015356.
Breast-ovarian cancer, familial, susceptibility to, 2 (BROVCA2). Also called: BRCA2 Hereditary Breast and Ovarian Cancer. Identifiers: Orphanet 145, MedGen C2675520, MONDO:0012933, OMIM 612555. Disease mechanism: loss of function.

Submissions (8):

Evidence-based Network for the Interpretation of Germline Mutant Alleles (ENIGMA)
Classification: Pathogenic for Breast-ovarian cancer, familial, susceptibility to, 2. Last evaluated: 2016-09-08. Review status: reviewed by expert panel. Criteria: ENIGMA BRCA1/2 Classification Criteria (2015). Collection method: curation. Allele origin: germline.
Comment: Variant allele predicted to encode a truncated non-functional protein.

Labcorp Genetics (formerly Invitae), Labcorp
Classification: Pathogenic for Hereditary breast ovarian cancer syndrome. Last evaluated: 2025-09-10. Review status: criteria provided, single submitter. Criteria: Invitae Variant Classification Sherloc (09022015). Collection method: clinical testing. Allele origin: germline. Not counted in ClinVar's aggregate classification.
Comment: This sequence change creates a premature translational stop signal (p.Asn1719Lysfs*6) in the BRCA2 gene. It is expected to result in an absent or disrupted protein product. Loss-of-function variants in BRCA2 are known to be pathogenic (PMID: 20104584). This variant is not present in population databases (gnomAD no frequency). This premature translational stop signal has been observed in individual(s) with breast and/or ovarian cancer (PMID: 26022348). This variant is also known as 5155_5159del. ClinVar contains an entry for this variant (Variation ID: 51780). For these reasons, this variant has been classified as Pathogenic.

GeneDx
Classification: Pathogenic. Last evaluated: 2025-02-18. Review status: criteria provided, single submitter. Criteria: GeneDx Variant Classification Process June 2021. Collection method: clinical testing. Allele origin: germline. Affected: yes. Not counted in ClinVar's aggregate classification.
Comment: Frameshift variant predicted to result in protein truncation or nonsense mediated decay in a gene for which loss of function is a known mechanism of disease; Not observed at significant frequency in large population cohorts (gnomAD); Truncating variants in this gene are considered pathogenic by a well-established clinical consortium and/or database; Also known as 5385_5389del and c.5155_5159del: p.1719_1720del; This variant is associated with the following publications: (PMID: 31447099, 32341426, 31825140, 26022348, 28724667, 29084914, 29339979)

Ambry Genetics
Classification: Pathogenic for Hereditary cancer-predisposing syndrome. Last evaluated: 2022-06-01. Review status: criteria provided, single submitter. Criteria: Ambry Variant Classification Scheme 2023. Collection method: clinical testing. Allele origin: germline. Not counted in ClinVar's aggregate classification.
Comment: The c.5157_5161delTTCAA pathogenic mutation, located in coding exon 10 of the BRCA2 gene, results from a deletion of 5 nucleotides at nucleotide positions 5157 to 5161, causing a translational frameshift with a predicted alternate stop codon (p.N1719Kfs*6). This alteration was identified in 1 of 353 French and Swiss patients undergoing BRCA1/2 sequencing due to a diagnosis of ovarian cancer (Labidi-Galy SI et al. Clin Cancer Res, 2018 01;24:326-333). This variant is considered to be rare based on population cohorts in the Genome Aggregation Database (gnomAD). In addition to the clinical data presented in the literature, this alteration is expected to result in loss of function by premature protein truncation or nonsense-mediated mRNA decay. As such, this alteration is interpreted as a disease-causing mutation.

Laboratory for Molecular Medicine, Mass General Brigham Personalized Medicine
Classification: Pathogenic for Hereditary breast ovarian cancer syndrome. Last evaluated: 2017-06-12. Review status: criteria provided, single submitter. Criteria: LMM Criteria. Collection method: clinical testing. Allele origin: germline. Inheritance: Autosomal dominant inheritance. Observed: 3 variant alleles. Not counted in ClinVar's aggregate classification.
Comment: The p.Asn1719fs has been reported in a least one European individual with heredi tary breast and/or ovarian cancer (HBOC; Breast Cancer Information Core (BIC) da tabase) and was absent from large population studies; though the ability of these studies to accurately detect ind els may be limited. This variant is predicted to cause a frameshift, which alter s the protein?s amino acid sequence beginning at position 1719 and leads to a pr emature termination codon 6 amino acids downstream. This alteration is then pred icted to lead to a truncated or absent protein. Heterozygous loss of function of the BRCA2 gene is an established disease mechanism in HBOC. Moreover, this vari ant was classified as pathogenic on September 8, 2016 by the ClinGen-approved EN IGMA expert panel (ClinVar SCV000300837.2). In summary, this variant meets crite ria to be classified as pathogenic for HBOC in an autosomal dominant manner base d upon the predicted impact to the protein and absence from controls.

Department of Medical Genetics, Oslo University Hospital
Classification: Pathogenic for Breast-ovarian cancer, familial, susceptibility to, 2. Last evaluated: 2016-08-23. Review status: criteria provided, single submitter. Criteria: ACMG Guidelines, 2015. Collection method: clinical testing. Allele origin: germline. Affected: yes. Observed: 2 variant alleles. Not counted in ClinVar's aggregate classification.

Consortium of Investigators of Modifiers of BRCA1/2 (CIMBA), c/o University of Cambridge
Classification: Pathogenic for Breast-ovarian cancer, familial, susceptibility to, 2. Last evaluated: 2015-10-02. Review status: criteria provided, single submitter. Criteria: CIMBA Mutation Classification guidelines May 2016. Collection method: clinical testing. Allele origin: germline. Not counted in ClinVar's aggregate classification.

Breast Cancer Information Core (BIC) (BRCA2)
Classification: Pathogenic for Breast-ovarian cancer, familial 2. Last evaluated: 2002-05-29. Review status: no assertion criteria provided. Collection method: clinical testing. Allele origin: germline. Affected: yes. Observed: 1 variant allele. Not counted in ClinVar's aggregate classification.

Literature cited by the submitters: PubMed 20104584 (cited by Labcorp Genetics (formerly Invitae), Labcorp); PubMed 26022348 (cited by Labcorp Genetics (formerly Invitae), Labcorp); PubMed 29084914 (cited by Ambry Genetics).